The following is an entry in ClinVar:

ClinVar aggregate classification (germline): Conflicting classifications of pathogenicity. Review status: criteria provided, conflicting classifications (1 of 4 stars). 3 submissions from 3 submitters: Uncertain significance (2); Likely benign (1). Last evaluated 2026-01-09.

Conditions:
Long QT syndrome (LQTS). Identifiers: MedGen C0023976, MeSH D008133, MONDO:0002442. Disease mechanism: loss of function. Inheritance: Various modes of inheritance.
Cardiovascular phenotype. Identifiers: MedGen CN230736.

Allele frequency attached by ClinVar (database versions not stated): gnomAD 0.00003; TOPMed 0.00003.
gnomAD v4.1: 15 of 1,613,948 alleles (0.00093%); highest among the groups gnomAD compares: Admixed American, 0.015%; no homozygotes.

Submissions (3):

Labcorp Genetics (formerly Invitae), Labcorp
Classification: Uncertain significance for Long QT syndrome. Last evaluated: 2026-01-09. Review status: criteria provided, single submitter. Criteria: Invitae Variant Classification Sherloc (09022015). Collection method: clinical testing. Allele origin: germline.
Comment: This sequence change replaces asparagine, which is neutral and polar, with aspartic acid, which is acidic and polar, at codon 1638 of the ANK2 protein (p.Asn1638Asp). This variant is present in population databases (no rsID available, gnomAD 0.02%). This missense change has been observed in individual(s) with sudden unexplained death (PMID: 26159999, 27930701). ClinVar contains an entry for this variant (Variation ID: 632634). An algorithm developed to predict the effect of missense changes on protein structure and function (PolyPhen-2) suggests that this variant is likely to be tolerated. In summary, the available evidence is currently insufficient to determine the role of this variant in disease. Therefore, it has been classified as a Variant of Uncertain Significance.

Women's Health and Genetics/Laboratory Corporation of America, LabCorp
Classification: Uncertain significance. Last evaluated: 2024-05-07. Review status: criteria provided, single submitter. Criteria: LabCorp Variant Classification Summary - May 2015. Collection method: clinical testing. Allele origin: germline.
Comment: Variant summary: ANK2 c.4912A>G (p.Asn1638Asp) results in a conservative amino acid change in the encoded protein sequence. Five of five in-silico tools predict a benign effect of the variant on protein function. The variant allele was found at a frequency of 2.8e-05 in 250950 control chromosomes, predominantly at a frequency of 0.00017 within the Latino subpopulation in the gnomAD database. The available data on variant occurrences in the general population are insufficient to allow any conclusion about variant significance. c.4912A>G has been reported in the literature in an individual with sudden unexplained death, who also carried a VUS variant in the TTN gene (Sanchez 2016), however it was also found in a healthy individual without long QT syndrome (Ghouse 2015). These reports do not provide unequivocal conclusions about association of the variant with Arrhythmia. To our knowledge, no experimental evidence demonstrating an impact on protein function has been reported. The following publications have been ascertained in the context of this evaluation (PMID: 26159999, 27930701). ClinVar contains an entry for this variant (Variation ID: 632634). Based on the evidence outlined above, the variant was classified as uncertain significance.

Ambry Genetics
Classification: Likely benign for Cardiovascular phenotype. Last evaluated: 2021-07-20. Review status: criteria provided, single submitter. Criteria: Ambry Variant Classification Scheme 2023. Collection method: clinical testing. Allele origin: germline.

Literature cited by the submitters: PubMed 26159999 (cited by Labcorp Genetics (formerly Invitae), Labcorp and Women's Health and Genetics/Laboratory Corporation of America, LabCorp); PubMed 27930701 (cited by Labcorp Genetics (formerly Invitae), Labcorp and Women's Health and Genetics/Laboratory Corporation of America, LabCorp).

NM_001148.6(ANK2):c.4912A>G (p.Asn1638Asp)

Gene: ANK2 (ankyrin 2; plus strand). Cytogenetic location: 4q26.
Variant type: single nucleotide variant.
Coding change: c.4912A>G on transcript NM_001148.6 (MANE Select); coding-DNA position 4912, A replaced by G.
Protein change: p.Asn1638Asp; replaces asparagine 1638 with aspartic acid.
Molecular consequence: missense variant. On other transcripts: intron variant (68).
Genome position (GRCh38, 1-based): chr4:113,353,530, A>G. VCF-style: chr4-113353530-A-G. GRCh37 (hg19) VCF-style: chr4-114274686-A-G.
Other names: c.4678A>G, p.Asn1560Asp (NM_001386142.1); c.1312A>G, p.Asn438Asp (NM_001386166.1); c.5053A>G, p.Asn1685Asp (NM_001386174.1); c.5029A>G, p.Asn1677Asp (NM_001386175.1); c.4411+3281A>G (NM_001386186.2, NM_001386148.2); c.4213+3281A>G (NM_001354269.3); c.4291+3281A>G (NM_001386187.2); c.4252+3281A>G (NM_001386147.1); and 35 more; short protein forms N1638D, N1560D, N1677D, N1685D, N438D.
Identifiers: ClinVar variation 632634 (VCV000632634.10), dbSNP rs748573794, ClinGen allele CA103811640.